The following is an entry in ClinVar:

NM_000102.4(CYP17A1):c.157TTC[1] (p.Phe54del)

Gene: CYP17A1 (cytochrome P450 family 17 subfamily A member 1; minus strand). Cytogenetic location: 10q24.32.
Variant type: Microsatellite.
Coding change: c.157TTC[1] on transcript NM_000102.4 (MANE Select); one copy of the 3-base unit TTC starting at c.157; the reference has two copies in a row; one copy, 3 bases deleted; also written c.160_162del.
Protein change: p.Phe54del; deletes phenylalanine 54.
Molecular consequence: inframe deletion.
Genome position (GRCh38, 1-based): chr10:102,837,200-102,837,202, GAA deleted on the plus strand (TTC on the coding strand, the reverse complement: CYP17A1 is on the minus strand); deleting any 3 consecutive bases within chr10:102,837,200-102,837,206 gives the same sequence; the position shown is the placement nearest the transcript's 3' end. VCF-style (leftmost placement, unchanged base first): chr10-102837199-TGAA-T. GRCh37 (hg19) VCF-style: chr10-104596956-TGAA-T.
Other names: F53del; F53delF; c.160_162del (NM_000102.4); c.160_162delTTC (NM_000102.3); short protein forms F54del.
Identifiers: ClinVar variation 1778 (VCV000001778.16), dbSNP rs121434319, ClinGen allele CA115176.

ClinVar aggregate classification (germline): Pathogenic/Likely pathogenic. Review status: criteria provided, multiple submitters, no conflicts (2 of 4 stars). 5 submissions from 5 submitters: Pathogenic (3); Likely pathogenic (1). 1 of the submissions does not count toward it. Last evaluated 2025-11-12.

Conditions:
Deficiency of steroid 17-alpha-monooxygenase. Also called: Congenital adrenal hyperplasia due to 17-alpha-hydroxylase deficiency; Congenital adrenal hyperplasia type 5; 17-ALPHA-HYDROXYLASE DEFICIENCY; 17-alpha-hydroxylase/17,20-lyase deficiency; ADRENAL HYPERPLASIA V. Identifiers: Orphanet 90793, MedGen C0268285, MONDO:0008730, OMIM 202110.
17-alpha-hydroxylase/17,20-lyase deficiency, combined partial. Identifiers: MedGen C4017190, MONDO:0800380.

Submissions (5):

Natera, Inc.
Classification: Pathogenic for Deficiency of steroid 17-alpha-monooxygenase. Last evaluated: 2025-11-12. Review status: criteria provided, single submitter. Criteria: Natera Variant Classification Schema (03/2026). Collection method: clinical testing. Allele origin: germline.
Comment: The c.160_162delTTC variant in CYP17A1 is an in-frame deletion predicted to remove phenylalanine at amino acid 54 while preserving the reading frame. This variant is rare in the general population with a frequency below the threshold expected for the associated phenotype(s). This variant has been observed in one or more individuals affected with the associated recessive disease, as either homozygous or compound heterozygous with a second variant (PMID: 22722218, 8855840, 10856480). Functional studies show that this variant may disrupt protein function (PMID: 2808364). This variant results in a change to the protein length while preserving reading frame, which may disrupt normal protein structure or function. Computational prediction algorithms indicate this variant is likely to affect gene or protein function. Given the available evidence, this variant is classified as Pathogenic.

Labcorp Genetics (formerly Invitae), Labcorp
Classification: Pathogenic. Last evaluated: 2023-10-18. Review status: criteria provided, single submitter. Criteria: Invitae Variant Classification Sherloc (09022015). Collection method: clinical testing. Allele origin: germline.
Comment: This variant, c.160_162del, results in the deletion of 1 amino acid(s) of the CYP17A1 protein (p.Phe54del), but otherwise preserves the integrity of the reading frame. This variant is present in population databases (rs762179268, gnomAD 0.02%). This variant has been observed in individuals with 17 alpha-hydroxylase deficiency (PMID: 2808364, 10720067, 10877510, 19793597, 29068264). This variant is also known as p.Phe53del. ClinVar contains an entry for this variant (Variation ID: 1778). Algorithms developed to predict the effect of variants on protein structure and function are not available or were not evaluated for this variant. Experimental studies have shown that this variant affects CYP17A1 function (PMID: 2808364, 10720067). For these reasons, this variant has been classified as Pathogenic.

Genetic Services Laboratory, University of Chicago
Classification: Pathogenic. Last evaluated: 2019-02-13. Review status: criteria provided, single submitter. Criteria: ACMG Guidelines, 2015. Collection method: clinical testing. Allele origin: germline. Affected: yes.
Comment: DNA sequence analysis of the CYP17A1 gene demonstrated a homozygous 3 base pair deletion in exon 1, c.160_162del. This sequence change results in an in-frame deletion of a single amino acid , phenylalanine, at position 54, p.Phe54del. Functional studies of the p.Phe54del in cell expression systems demonstrated a significant reduction in enzyme activity (PMID: 2808364). These collective evidences indicate that this sequence change is pathogenic.

Neuberg Centre For Genomic Medicine, NCGM
Classification: Likely pathogenic for Deficiency of steroid 17-alpha-monooxygenase. Review status: criteria provided, single submitter. Criteria: ACMG Guidelines, 2015. Collection method: clinical testing. Allele origin: germline. Inheritance: Autosomal recessive inheritance. Affected: yes.
Comment: This variant, c.160_162del, results in the deletion of 1 amino acid(s) of the CYP17A1 protein (p.Phe54del), but otherwise preserves the integrity of the reading frame. . This variant has been observed in individual(s) with 17 alpha-hydroxylase deficiency (Yanase T et al & Biason-Lauber A et al). This variant is also known as p.Phe53del in the literature. This variant has been reported to affect CYP17A1 protein function (Yanase T et al & Biason-Lauber A et al). This variant is reported with the allele frequency (0.002386%) in the gnomad and novel in 1000 genome database. It has been submitted to ClinVar as Pathogenic. This p.Phe54del causes deletion of amino acid Phenylalanine at position 54. For these reasons, this variant has been classified as Likely Pathogenic.

OMIM
Classification: Pathogenic for 17-ALPHA-HYDROXYLASE/17,20-LYASE DEFICIENCY, COMBINED PARTIAL. Last evaluated: 1996-10-01. Review status: no assertion criteria provided. Collection method: literature only. Allele origin: germline. Not counted in ClinVar's aggregate classification.

Literature cited by the submitters: PubMed 22722218 (cited by Natera, Inc.); PubMed 8855840 (cited by Natera, Inc. and OMIM); PubMed 10856480 (cited by Natera, Inc.); PubMed 2808364 (cited by 3 submitters); PubMed 10720067 (cited by Labcorp Genetics (formerly Invitae), Labcorp); PubMed 10877510 (cited by Labcorp Genetics (formerly Invitae), Labcorp); PubMed 19793597 (cited by Labcorp Genetics (formerly Invitae), Labcorp); PubMed 29068264 (cited by Labcorp Genetics (formerly Invitae), Labcorp).